The following is an entry in ClinVar:

ClinVar aggregate classification (germline): not provided (0 of 4 stars; one submission).

Submission:

Medical Genetics Unit, Ain Shams University Pediatrics Hospital
No classification provided. Review status: no classification provided. Collection method: not provided. Allele origin: unknown.
Comment: Methylmalonic aciduria

NM_000255.4(MMUT):c.-39-3del

Gene: MMUT (methylmalonyl-CoA mutase; minus strand). Cytogenetic location: 6p12.3.
Variant type: Deletion.
Coding change: c.-39-3del on transcript NM_000255.4 (MANE Select); 3 bases into the intron before 39 bases upstream of the start codon, one base deleted (T; older notation c.-39-3delT).
Molecular consequence: intron variant.
Genome position (GRCh38, 1-based): chr6:49,459,508, A deleted on the plus strand (T on the coding strand, the reverse complement: MMUT is on the minus strand). VCF-style (leftmost placement, unchanged base first): chr6-49459507-TA-T. GRCh37 (hg19) VCF-style: chr6-49427220-TA-T.
Other names: KC594087.1.
Identifiers: ClinVar variation 100694 (VCV000100694.2), dbSNP rs483352801, ClinGen allele CA235507.